The following is an entry in ClinVar:

ClinVar aggregate classification (germline): Likely benign (1 of 4 stars; one submission).

gnomAD v4.1: 1 of 1,614,250 alleles (0.000062%); highest among the groups gnomAD compares: Non-Finnish European, 0.000085%; no homozygotes.

Submission:

Mayo Clinic Laboratories, Mayo Clinic
Classification: Likely benign. Last evaluated: 2025-05-06. Review status: criteria provided, single submitter. Criteria: ACMG Guidelines, 2015. Collection method: clinical testing. Allele origin: germline. Observed: 1 variant allele.
Comment: BP4, BP7

NM_001626.6(AKT2):c.459C>T (p.Asp153=)

Gene: AKT2 (AKT serine/threonine kinase 2; minus strand). Cytogenetic location: 19q13.2.
Variant type: single nucleotide variant.
Coding change: c.459C>T on transcript NM_001626.6 (MANE Select); coding-DNA position 459, C replaced by T.
Protein change: p.Asp153=; no amino-acid change (aspartic acid 153 retained).
Molecular consequence: synonymous variant.
Genome position (GRCh38, 1-based): chr19:40,242,052, G>A on the plus strand (C>T on the coding strand, the complement: AKT2 is on the minus strand). VCF-style: chr19-40242052-G-A. GRCh37 (hg19) VCF-style: chr19-40747959-G-A.
Other names: p.Asp153=; c.459C>T, p.Asp153= (NM_001330511.1); c.273C>T, p.Asp91= (NM_001243027.3, NM_001243028.3).
Identifiers: ClinVar variation 4684373 (VCV004684373.1).